The following is an entry in ClinVar:

NM_020988.3(GNAO1):c.709G>A (p.Glu237Lys)

Gene: GNAO1 (G protein subunit alpha o1; plus strand). Cytogenetic location: 16q13.
Variant type: single nucleotide variant.
Coding change: c.709G>A on transcript NM_020988.3 (MANE Select); coding-DNA position 709, G replaced by A.
Protein change: p.Glu237Lys; replaces glutamic acid 237 with lysine.
Molecular consequence: missense variant.
Genome position (GRCh38, 1-based): chr16:56,336,846, G>A. VCF-style: chr16-56336846-G-A. GRCh37 (hg19) VCF-style: chr16-56370758-G-A.
Other names: c.709G>A, p.Glu237Lys (NM_138736.3); short protein forms E237K.
Identifiers: ClinVar variation 420523 (VCV000420523.21), dbSNP rs1064794533, ClinGen allele CA16620213.

ClinVar aggregate classification (germline): Pathogenic/Likely pathogenic. Review status: criteria provided, multiple submitters, no conflicts (2 of 4 stars). 10 submissions from 10 submitters: Pathogenic (6); Likely pathogenic (2). 2 of the submissions do not count toward it. Last evaluated 2026-02-27.

Conditions:
Dyskinesia. Identifiers: MedGen C0013384, HP:0100660.
Chorea. Also called: Choreiform movements; Choreatic disease. Identifiers: Orphanet 1429, MedGen C0008489, MONDO:0001595, HP:0002072.
GNAO1-related disorder. Also called: GNAO1-related condition; GNAO1-Related Disorders. Identifiers: MedGen CN381308.
Early-infantile DEE. Also called: Ohtahara syndrome; Early infantile epileptic encephalopathy; Early infantile epileptic encephalopathy with suppression bursts. Identifiers: Orphanet 1934, MedGen C0393706, MONDO:0800491.
Neurodevelopmental disorder with involuntary movements (NEDIM). Identifiers: Orphanet 592564, MedGen C4479569, MONDO:0060491, OMIM 617493.
Developmental and epileptic encephalopathy, 17 (DEE17). Also called: Early infantile epileptic encephalopathy 17. Identifiers: Orphanet 1934, MedGen C3809606, MONDO:0014199, OMIM 615473.

Submissions (10):

Dasa
Classification: Pathogenic. Last evaluated: 2026-02-27. Review status: criteria provided, single submitter. Criteria: DASA Assertion Criteria. Collection method: clinical testing. Allele origin: germline.
Comment: NM_020988.3(GNAO1):c.709G>A (p.Glu237Lys) is a missense variant that results in the substitution of glutamic acid with lysine. De novo occurrence has been reported in an individual with related phenotype. This variant has been recurrently observed in individuals with related phenotype (PMID: 29389947; PMID: 29935962; PMID: 28668776; PMID: 30642806; PMID: 32581362). Multiple computational predictions support a deleterious effect on the gene or gene product. The variant is present at low frequency in population datasets. Based on the available data, this variant is classified as pathogenic.

Institute of Human Genetics, University of Leipzig Medical Center
Classification: Pathogenic for Neurodevelopmental disorder with involuntary movements. Last evaluated: 2026-02-23. Review status: criteria provided, single submitter. Criteria: ACMG Guidelines, 2015. Collection method: clinical testing. Allele origin: de novo. Inheritance: Autosomal dominant inheritance. Affected: yes.
Comment: Criteria applied: PM1,PM2,PM5,PP2,PP3,PS2_VSTR,PS3,PS4

3billion
Classification: Pathogenic for Neurodevelopmental disorder with involuntary movements. Last evaluated: 2025-09-17. Review status: criteria provided, single submitter. Criteria: ACMG Guidelines, 2015. Collection method: clinical testing. Allele origin: germline. Affected: yes.
Comment: The variant is not observed in the gnomAD v4.1.0 dataset. Predicted Consequence/Location: Missense variant. Missense changes are a common disease-causing mechanism. In silico tool predictions suggest damaging effect of the variant on gene or gene product [REVEL: 0.92 (>=0.6, sensitivity 0.68 and specificity 0.92); 3Cnet: 0.93 (> 0.75, sensitivity 0.96 and precision 0.92)]. The same nucleotide change resulting in the same amino acid change has been previously reported as pathogenic/likely pathogenic with strong evidence (ClinVar ID: VCV000420523 /PMID: 29389947). The variant has been previously reported as de novo in a similarly affected individual (PMID: 29389947). The variant has been previously reported as assumed (i.e. paternity and maternity not confirmed) de novo in at least one similarly affected unrelated individual (PMID: 29389947). A different missense change at the same codon (p.Glu237Asp) has been reported to be associated with GNAO1-related disorder (PMID: 38553553). Therefore, this variant is classified as Pathogenic according to the recommendation of ACMG/AMP guideline.

Institute for Clinical Genetics, University Hospital TU Dresden, University Hospital TU Dresden
Classification: Likely pathogenic. Last evaluated: 2022-07-11. Review status: criteria provided, single submitter. Criteria: ACMG Guidelines, 2015. Collection method: clinical testing. Allele origin: germline.
Comment: PS2, PS4_MOD, PP3, PP2, PM2_SUP

GeneDx
Classification: Pathogenic. Last evaluated: 2021-11-11. Review status: criteria provided, single submitter. Criteria: GeneDx Variant Classification Process June 2021. Collection method: clinical testing. Allele origin: germline. Affected: yes.
Comment: Not observed at significant frequency in large population cohorts (Lek et al., 2016); In silico analysis supports that this missense variant has a deleterious effect on protein structure/function; This variant is associated with the following publications: (PMID: 29389947, 30103967, 31737037, 31130284, 33098801, 32581362, 31780880, 30642806, 29935962, 28668776)

Labcorp Genetics (formerly Invitae), Labcorp
Classification: Pathogenic for Early-infantile DEE. Last evaluated: 2021-08-24. Review status: criteria provided, single submitter. Criteria: Invitae Variant Classification Sherloc (09022015). Collection method: clinical testing. Allele origin: germline.
Comment: Advanced modeling of protein sequence and biophysical properties (such as structural, functional, and spatial information, amino acid conservation, physicochemical variation, residue mobility, and thermodynamic stability) performed at Invitae indicates that this missense variant is expected to disrupt GNAO1 protein function. For these reasons, this variant has been classified as Pathogenic. ClinVar contains an entry for this variant (Variation ID: 420523). This variant has been observed in individual(s) with clinical features of GNAO1-related conditions (PMID: 28668776, 29389947, 29935962, 30642806, 31130284, 31737037, 31780880, 32581362). In at least one individual the variant was observed to be de novo. This variant is not present in population databases (ExAC no frequency). This sequence change replaces glutamic acid with lysine at codon 237 of the GNAO1 protein (p.Glu237Lys). The glutamic acid residue is highly conserved and there is a small physicochemical difference between glutamic acid and lysine.

Fulgent Genetics
Classification: Likely pathogenic for Developmental and epileptic encephalopathy, 17; Neurodevelopmental disorder with involuntary movements. Last evaluated: 2018-10-31. Review status: criteria provided, single submitter. Criteria: ACMG Guidelines, 2015. Collection method: clinical testing. Allele origin: unknown.

Juno Genomics, Hangzhou Juno Genomics, Inc
Classification: Pathogenic for Developmental and epileptic encephalopathy, 17; Neurodevelopmental disorder with involuntary movements. Review status: criteria provided, single submitter. Criteria: ACMG Guidelines, 2015. Collection method: clinical testing. Allele origin: germline. Affected: yes.
Comment: Absent from controls (or at extremely low frequency if recessive) in Genome Aggregation Database, Exome Sequencing Project, 1000 Genomes Project, or Exome Aggregation Consortium.;Multiple lines of computational evidence support a deleterious effect on the gene or gene product (conservation, evolutionary, splicing impact, etc).;Missense variant in a gene that has a low rate of benign missense variation and where missense variants are a common mechanism of disease.;The prevalence of the variant in affected individuals is significantly increased compared to the prevalence in controls.;Assumed de novo, but without confirmation of paternity and maternity.

Genetics and Genomic Medicine Centre, NeuroGen Healthcare, NeuroGen Healthcare
Classification: Likely pathogenic. Last evaluated: 2021-10-24. Review status: no assertion criteria provided. Collection method: clinical testing. Allele origin: unknown. Affected: yes. Not counted in ClinVar's aggregate classification.

NIHR Bioresource Rare Diseases, University of Cambridge
Classification: Likely pathogenic for Dyskinesia; Chorea. Review status: no assertion criteria provided. Collection method: research. Allele origin: unknown. Affected: yes. Observed: 2 variant alleles. Not counted in ClinVar's aggregate classification.

Literature cited by the submitters: PubMed 29389947 (cited by 3 submitters); PubMed 29935962 (cited by Dasa and Labcorp Genetics (formerly Invitae), Labcorp); PubMed 28668776 (cited by Dasa and Labcorp Genetics (formerly Invitae), Labcorp); PubMed 30642806 (cited by Dasa and Labcorp Genetics (formerly Invitae), Labcorp); PubMed 32581362 (cited by 3 submitters); PubMed 38553553 (cited by 3billion); PubMed 31130284 (cited by Labcorp Genetics (formerly Invitae), Labcorp); PubMed 31737037 (cited by Labcorp Genetics (formerly Invitae), Labcorp); PubMed 31780880 (cited by Labcorp Genetics (formerly Invitae), Labcorp).